The following is an entry in ClinVar:

NC_000020.10:g.(?_61987307)_(61992517_?)dup

Gene: CHRNA4 (cholinergic receptor nicotinic alpha 4 subunit; minus strand). Cytogenetic location: 20q13.33.
Variant type: Duplication.
Identifiers: ClinVar variation 1409928 (VCV001409928.5).

ClinVar aggregate classification (germline): Uncertain significance (1 of 4 stars; one submission).

Conditions:
Familial sleep-related hypermotor epilepsy. Also called: Autosomal Dominant Sleep-Related Hypermotor (Hyperkinetic) Epilepsy. Identifiers: Orphanet 98784, MedGen C3696898, MONDO:0000030.

Submission:

Labcorp Genetics (formerly Invitae), Labcorp
Classification: Uncertain significance. Last evaluated: 2023-08-24. Review status: criteria provided, single submitter. Criteria: Invitae Variant Classification Sherloc (09022015). Collection method: clinical testing. Allele origin: germline.
Comment: In summary, the available evidence is currently insufficient to determine the role of this variant in disease. Therefore, it has been classified as a Variant of Uncertain Significance. Experimental studies and prediction algorithms are not available or were not evaluated, and the functional significance of this variant is currently unknown. A similar copy number variant has been observed in at least one individual who was not affected with CHRNA4-related conditions (Invitae). This variant has not been reported in the literature in individuals affected with CHRNA4-related conditions. This variant results in a copy number gain of the genomic region encompassing exon(s) 1-4 of the CHRNA4 gene. This region includes the initiator codon of the gene. This copy number gain extends beyond the assayed region for this gene and therefore may encompass additional genes. As the precise location of this event is unknown, it may be in tandem or it may be located elsewhere in the genome.